The following is an entry in ClinVar:

ClinVar aggregate classification (germline): Likely benign (1 of 4 stars; one submission).

Conditions:
SEMA3G-related disorder. Also called: SEMA3G-related condition.

gnomAD v4.1: 56 of 1,613,884 alleles (0.0035%); highest among the groups gnomAD compares: Non-Finnish European, 0.0041%; no homozygotes.

Submission:

PreventionGenetics, part of Exact Sciences
Classification: Likely benign for SEMA3G-related condition. Last evaluated: 2025-02-19. Review status: criteria provided, single submitter. Criteria: ACMG Guidelines, 2015. Collection method: clinical testing. Allele origin: germline.
Comment: This variant is classified as likely benign based on ACMG/AMP sequence variant interpretation guidelines (Richards et al. 2015 PMID: 25741868, with internal and published modifications).

NM_020163.3(SEMA3G):c.1398C>T (p.Val466=)

Gene: SEMA3G (semaphorin 3G; minus strand). Cytogenetic location: 3p21.1.
Variant type: single nucleotide variant.
Coding change: c.1398C>T on transcript NM_020163.3 (MANE Select); coding-DNA position 1398, C replaced by T.
Protein change: p.Val466=; no amino-acid change (valine 466 retained).
Molecular consequence: synonymous variant.
Genome position (GRCh38, 1-based): chr3:52,439,749, G>A on the plus strand (C>T on the coding strand, the complement: SEMA3G is on the minus strand). VCF-style: chr3-52439749-G-A. GRCh37 (hg19) VCF-style: chr3-52473765-G-A.
Identifiers: ClinVar variation 4980995 (VCV004980995.1).